The following is an entry in ClinVar:

ClinVar aggregate classification (germline): Pathogenic/Likely pathogenic. Review status: criteria provided, multiple submitters, no conflicts (2 of 4 stars). 3 submissions from 3 submitters: Pathogenic (1); Likely pathogenic (1). 1 of the submissions does not count toward it. Last evaluated 2025-08-26.

Conditions:
Intellectual developmental disorder, autosomal recessive 18, with or without epilepsy. Also called: Intellectual disability, autosomal recessive 18. Identifiers: Orphanet 88616, MedGen C3280265, MONDO:0013651, OMIM 614249.
MED23-related disorder. Also called: MED23-related condition.

Allele frequency attached by ClinVar (database versions not stated): TOPMed 0.00002; gnomAD exomes 0.00005 and 0.00001; ExAC 0.00002; gnomAD 0.00001.
gnomAD v4.1: 67 of 1,614,050 alleles (0.0042%); highest among the groups gnomAD compares: Non-Finnish European, 0.0056%; no homozygotes.

Submissions (3):

GeneDx
Classification: Pathogenic. Last evaluated: 2025-08-26. Review status: criteria provided, single submitter. Criteria: GeneDx Variant Classification Process June 2021. Collection method: clinical testing. Allele origin: germline. Affected: yes.
Comment: Nonsense variant predicted to result in protein truncation or nonsense mediated decay in a gene for which loss of function is a known mechanism of disease; Not observed at significant frequency in large population cohorts (gnomAD); Has not been previously published as pathogenic or benign to our knowledge

Women's Health and Genetics/Laboratory Corporation of America, LabCorp
Classification: Likely pathogenic for Intellectual developmental disorder, autosomal recessive 18, with or without epilepsy. Last evaluated: 2021-01-27. Review status: criteria provided, single submitter. Criteria: LabCorp Variant Classification Summary - May 2015. Collection method: clinical testing. Allele origin: germline.
Comment: Variant summary: MED23 c.3371C>G (p.Ser1124X) results in a premature termination codon, predicted to cause a truncation of the encoded protein or absence of the protein due to nonsense mediated decay. One truncation downstream of this position has been reported in HGMD in association with intellectual disability. The variant allele was found at a frequency of 1.2e-05 in 251226 control chromosomes (gnomAD). To our knowledge, no occurrence of c.3371C>G in individuals affected with Mental Retardation, Autosomal Recessive 18 and no experimental evidence demonstrating its impact on protein function have been reported. One clinical diagnostic laboratory has submitted clinical-significance assessments for this variant to ClinVar after 2014 without evidence for independent evaluation. One laboratory classified the variant as likely pathogenic. Based on the evidence outlined above, the variant was classified as likely pathogenic.

PreventionGenetics, part of Exact Sciences
Classification: Likely pathogenic for MED23-related condition. Last evaluated: 2024-08-26. Review status: no assertion criteria provided. Collection method: clinical testing. Allele origin: germline. Not counted in ClinVar's aggregate classification.
Comment: The MED23 c.3371C>G variant is predicted to result in premature protein termination (p.Ser1124*). To our knowledge, this variant has not been reported in the literature. This variant is reported in 0.0026% of alleles in individuals of European (Non-Finnish) descent in gnomAD. Nonsense variants in MED23 are expected to be pathogenic. This variant is interpreted as likely pathogenic.

NM_004830.4(MED23):c.3353C>G (p.Ser1118Ter)

Gene: MED23 (mediator complex subunit 23; minus strand). Cytogenetic location: 6q23.2.
Variant type: single nucleotide variant.
Coding change: c.3353C>G on transcript NM_004830.4 (MANE Select); coding-DNA position 3353, C replaced by G.
Protein change: p.Ser1118Ter; replaces serine 1118 with a stop codon.
Molecular consequence: nonsense.
Genome position (GRCh38, 1-based): chr6:131,593,051, G>C on the plus strand (C>G on the coding strand, the complement: MED23 is on the minus strand). VCF-style: chr6-131593051-G-C. GRCh37 (hg19) VCF-style: chr6-131914191-G-C.
Other names: c.3353C>G, p.Ser1118Ter (NM_001270521.2, NM_001270522.2); c.3371C>G, p.Ser1124Ter (NM_015979.4); short protein forms S1124*, S1118*.
Identifiers: ClinVar variation 620500 (VCV000620500.8), dbSNP rs769471341, ClinGen allele CA3999646.